The following is an entry in ClinVar:

ClinVar aggregate classification (germline): Uncertain significance (1 of 4 stars; one submission).

Allele frequency attached by ClinVar (database versions not stated): gnomAD exomes below 0.00001; ExAC 0.00001.
gnomAD v4.1: 2 of 1,610,038 alleles (0.00012%); highest among the groups gnomAD compares: East Asian, 0.0022%; no homozygotes.

Submission:

Labcorp Genetics (formerly Invitae), Labcorp
Classification: Uncertain significance. Last evaluated: 2022-02-28. Review status: criteria provided, single submitter. Criteria: Invitae Variant Classification Sherloc (09022015). Collection method: clinical testing. Allele origin: germline.
Comment: This sequence change replaces histidine, which is basic and polar, with tyrosine, which is neutral and polar, at codon 94 of the RIN2 protein (p.His94Tyr). This variant is present in population databases (rs777052562, gnomAD 0.0009%). This variant has not been reported in the literature in individuals affected with RIN2-related conditions. Algorithms developed to predict the effect of missense changes on protein structure and function are either unavailable or do not agree on the potential impact of this missense change (SIFT: "Deleterious"; PolyPhen-2: "Not Available"; Align-GVGD: "Class C0"). In summary, the available evidence is currently insufficient to determine the role of this variant in disease. Therefore, it has been classified as a Variant of Uncertain Significance.

NM_018993.4(RIN2):c.280C>T (p.His94Tyr)

Gene: RIN2 (Ras and Rab interactor 2; plus strand). Cytogenetic location: 20p11.23.
Variant type: single nucleotide variant.
Coding change: c.280C>T on transcript NM_018993.4 (MANE Select); coding-DNA position 280, C replaced by T.
Protein change: p.His94Tyr; replaces histidine 94 with tyrosine.
Molecular consequence: missense variant. On other transcripts: 5 prime UTR variant (1).
Genome position (GRCh38, 1-based): chr20:19,956,736, C>T. VCF-style: chr20-19956736-C-T. GRCh37 (hg19) VCF-style: chr20-19937380-C-T.
Other names: c.427C>T, p.His143Tyr (NM_001242581.2); c.-266C>T (NM_001378238.1); short protein forms H143Y, H94Y.
Identifiers: ClinVar variation 2104426 (VCV002104426.4), dbSNP rs777052562, ClinGen allele CA9779779.